The following is an entry in ClinVar:

ClinVar aggregate classification (germline): Likely pathogenic (1 of 4 stars; one submission).

Conditions:
Hereditary cancer-predisposing syndrome. Also called: Neoplastic Syndromes, Hereditary; Tumor predisposition; Hereditary Cancer Syndrome; Hereditary neoplastic syndrome. Identifiers: Orphanet 140162, MedGen C0027672, MeSH D009386, MONDO:0015356.

Submission:

Ambry Genetics
Classification: Likely pathogenic for Hereditary cancer-predisposing syndrome. Last evaluated: 2026-02-24. Review status: criteria provided, single submitter. Criteria: Ambry Variant Classification Scheme 2023. Collection method: clinical testing. Allele origin: germline.
Comment: The c.1939_1946+10del18insCCATGGG variant results from a deletion of eighteen nucleotides and insertion of seven nucleotides at positions 1939 to 1946+10 and involves the canonical splice donor site after coding exon 17 of the TSC2 gene. The canonical splice donor site is highly conserved in available vertebrate species. In silico splice site analysis predicts that this alteration will weaken the native splice donor site; however, the exact impact of this variant on splicing and function is currently unknown. Variants that disrupt the canonical splice site are expected to cause aberrant splicing, resulting in an abnormal protein or a transcript that is subject to nonsense-mediated mRNA decay. Based on the majority of available evidence to date, this variant is likely to be pathogenic.

NM_000548.5(TSC2):c.1939_1946+10delinsCCATGGG

Gene: TSC2 (TSC complex subunit 2; plus strand). Cytogenetic location: 16p13.3.
Variant type: Indel.
Coding change: c.1939_1946+10delinsCCATGGG on transcript NM_000548.5 (MANE Select); coding-DNA position 1939 through 10 bases into the intron after coding-DNA position 1946, GACTACATGTACGCGGGA replaced by CCATGGG.
Molecular consequence: splice donor variant.
Genome position (GRCh38, 1-based): chr16:2,071,609-2,071,626, GACTACATGTACGCGGGA replaced by CCATGGG. VCF-style: chr16-2071609-GACTACATGTACGCGGGA-CCATGGG. GRCh37 (hg19) VCF-style: chr16-2121610-GACTACATGTACGCGGGA-CCATGGG.
Other names: c.595_602+10delinsCCATGGG (NM_001406693.1, NM_001406689.1, NM_001406690.1 and 6 more transcripts); c.2029_2036+10delinsCCATGGG (NM_001406667.1, NM_001406668.1); c.1339_1346+10delinsCCATGGG (NM_001406680.1, NM_001406683.1, NM_001406687.1 and 6 more transcripts); c.337_344+10delinsCCATGGG (NM_001406698.1); c.1939_1946+10delinsCCATGGG (NM_001114382.3, NM_001406663.1, NM_001406664.1 and 6 more transcripts); c.1927_1934+10delinsCCATGGG (NM_001406671.1, NM_001406673.1); c.1477_1484+10delinsCCATGGG (NM_001406681.1); c.1828_1835+10delinsCCATGGG (NM_001406670.1, NM_001318827.2, NM_001406678.1); and 3 more.
Identifiers: ClinVar variation 4826457 (VCV004826457.1).